The following is an entry in ClinVar:

NM_001145475.3(FAM186A):c.4284A>C (p.Ala1428=)

Gene: FAM186A (family with sequence similarity 186 member A; minus strand). Cytogenetic location: 12q13.12.
Variant type: single nucleotide variant.
Coding change: c.4284A>C on transcript NM_001145475.3 (MANE Select); coding-DNA position 4284, A replaced by C.
Protein change: p.Ala1428=; no amino-acid change (alanine 1428 retained).
Molecular consequence: synonymous variant.
Genome position (GRCh38, 1-based): chr12:50,352,548, T>G on the plus strand (A>C on the coding strand, the complement: FAM186A is on the minus strand). VCF-style: chr12-50352548-T-G. GRCh37 (hg19) VCF-style: chr12-50746331-T-G.
Identifiers: ClinVar variation 2642989 (VCV002642989.24), dbSNP rs1320992798, ClinGen allele CA479764297.

ClinVar aggregate classification (germline): Likely benign (1 of 4 stars; one submission).

Allele frequency attached by ClinVar (database versions not stated): gnomAD exomes 0.00006.

Submission:

CeGaT Center for Human Genetics Tuebingen
Classification: Likely benign. Last evaluated: 2023-08-01. Review status: criteria provided, single submitter. Criteria: CeGaT Center For Human Genetics Tuebingen Variant Classification Criteria Version 2. Collection method: clinical testing. Allele origin: germline. Affected: yes. Observed: 1 variant allele.
Comment: FAM186A: BP4, BP7